The following is an entry in ClinVar:

ClinVar aggregate classification (germline): Uncertain significance (1 of 4 stars; one submission).

Conditions:
Cardiomyopathy (CMYO). Also called: Cardiomyopathies. Identifiers: Orphanet 167848, MedGen C0878544, MONDO:0004994, HP:0001638. Inheritance: Various modes of inheritance.

Allele frequency attached by ClinVar (database versions not stated): gnomAD exomes below 0.00001.
gnomAD v4.1: 1 of 1,613,572 alleles (0.000062%); highest among the groups gnomAD compares: South Asian, 0.0011%; no homozygotes.

Submission:

Color Diagnostics, LLC DBA Color Health
Classification: Uncertain significance for Cardiomyopathy. Last evaluated: 2021-03-08. Review status: criteria provided, single submitter. Criteria: ACMG Guidelines, 2015. Collection method: clinical testing. Allele origin: germline.
Comment: This missense variant replaces glycine with arginine at codon 561 of the DSC2 protein. Computational prediction suggests that this variant may not impact protein structure and function (internally defined REVEL score threshold <= 0.5, PMID: 27666373). To our knowledge, functional studies have not been reported for this variant. This variant has not been reported in individuals affected with cardiovascular disorders in the literature. This variant has not been identified in the general population by the Genome Aggregation Database (gnomAD). The available evidence is insufficient to determine the role of this variant in disease conclusively. Therefore, this variant is classified as a Variant of Uncertain Significance.

NM_024422.6(DSC2):c.1681G>C (p.Gly561Arg)

Gene: DSC2 (desmocollin 2; minus strand). Cytogenetic location: 18q12.1.
Variant type: single nucleotide variant.
Coding change: c.1681G>C on transcript NM_024422.6 (MANE Select); coding-DNA position 1681, G replaced by C.
Protein change: p.Gly561Arg; replaces glycine 561 with arginine.
Molecular consequence: missense variant.
Genome position (GRCh38, 1-based): chr18:31,074,890, C>G on the plus strand (G>C on the coding strand, the complement: DSC2 is on the minus strand). VCF-style: chr18-31074890-C-G. GRCh37 (hg19) VCF-style: chr18-28654856-C-G.
Other names: c.1681G>C, p.Gly561Arg (NM_004949.5); short protein forms G561R.
Identifiers: ClinVar variation 1331911 (VCV001331911.2), dbSNP rs2144800482, ClinGen allele CA402114455.